The following is an entry in ClinVar:

ClinVar aggregate classification (germline): Uncertain significance (1 of 4 stars; one submission).

Conditions:
Long QT syndrome (LQTS). Identifiers: MedGen C0023976, MeSH D008133, MONDO:0002442. Disease mechanism: loss of function. Inheritance: Various modes of inheritance.

Allele frequency attached by ClinVar (database versions not stated): gnomAD exomes below 0.00001.
gnomAD v4.1: 7 of 1,613,956 alleles (0.00043%); highest among the groups gnomAD compares: Non-Finnish European, 0.00051%; no homozygotes.

Submission:

All of Us Research Program, National Institutes of Health
Classification: Uncertain significance for Long QT syndrome. Last evaluated: 2023-08-15. Review status: criteria provided, single submitter. Criteria: ACMG Guidelines, 2015. Collection method: clinical testing. Allele origin: germline. Inheritance: Autosomal dominant inheritance. Observed: 2 variant alleles, 2 heterozygotes.
Comment: This variant is located in the KCNH2 protein. To our knowledge, functional studies have not been reported for this variant. This variant has not been reported in individuals affected with KCNH2-related disorders in the literature. This variant has not been identified in the general population by the Genome Aggregation Database (gnomAD). The available evidence is insufficient to determine the role of this variant in disease conclusively. Therefore, this variant is classified as a Variant of Uncertain Significance.

This study involves interpretation of variants in research participants for the purpose of population health screening. Participant phenotype was not available at the time of variant classification. Additional details can be found in publication PMID: 35346344, PMCID: PMC8962531

NM_000238.4(KCNH2):c.1047G>A (p.Leu349=)

Gene: KCNH2 (potassium voltage-gated channel subfamily H member 2; minus strand). Cytogenetic location: 7q36.1.
Variant type: single nucleotide variant.
Coding change: c.1047G>A on transcript NM_000238.4 (MANE Select); coding-DNA position 1047, G replaced by A.
Protein change: p.Leu349=; no amino-acid change (leucine 349 retained).
Molecular consequence: synonymous variant. On other transcripts: non-coding transcript variant (1).
Genome position (GRCh38, 1-based): chr7:150,957,372, C>T on the plus strand (G>A on the coding strand, the complement: KCNH2 is on the minus strand). VCF-style: chr7-150957372-C-T. GRCh37 (hg19) VCF-style: chr7-150654460-C-T.
Other names: c.759G>A, p.Leu253= (NM_001406753.1, NM_001406756.1); c.870G>A, p.Leu290= (NM_001406755.1); c.747G>A, p.Leu249= (NM_001406757.1); c.1047G>A, p.Leu349= (NM_172056.3).
Identifiers: ClinVar variation 3069772 (VCV003069772.1), dbSNP rs2486081513, ClinGen allele CA458645989.